The following is an entry in ClinVar:

ClinVar aggregate classification (germline): Likely benign. Review status: criteria provided, single submitter (1 of 4 stars). 2 submissions from 2 submitters: Likely benign (1). 1 of the submissions does not count toward it. Last evaluated 2026-01-11.

Conditions:
TALDO1-related disorder. Also called: TALDO1-related condition.

Allele frequency attached by ClinVar (database versions not stated): gnomAD 0.00003 and 0.00004; gnomAD exomes 0.00006 and 0.00012; TOPMed 0.00008; ExAC 0.00009.

Submissions (2):

Labcorp Genetics (formerly Invitae), Labcorp
Classification: Likely benign. Last evaluated: 2026-01-11. Review status: criteria provided, single submitter. Criteria: Invitae Variant Classification Sherloc (09022015). Collection method: clinical testing. Allele origin: germline.

PreventionGenetics, part of Exact Sciences
Classification: Likely benign for TALDO1-related condition. Last evaluated: 2023-08-08. Review status: no assertion criteria provided. Collection method: clinical testing. Allele origin: germline. Not counted in ClinVar's aggregate classification.
Comment: This variant is classified as likely benign based on ACMG/AMP sequence variant interpretation guidelines (Richards et al. 2015 PMID: 25741868, with internal and published modifications).

NM_006755.2(TALDO1):c.427C>T (p.Leu143=)

Gene: TALDO1 (transaldolase 1; plus strand). Cytogenetic location: 11p15.5.
Variant type: single nucleotide variant.
Coding change: c.427C>T on transcript NM_006755.2 (MANE Select); coding-DNA position 427, C replaced by T.
Protein change: p.Leu143=; no amino-acid change (leucine 143 retained).
Molecular consequence: synonymous variant.
Genome position (GRCh38, 1-based): chr11:760,219, C>T. VCF-style: chr11-760219-C-T. GRCh37 (hg19) VCF-style: chr11-760219-C-T.
Identifiers: ClinVar variation 709252 (VCV000709252.11), dbSNP rs763145208, ClinGen allele CA5788132.
Genomic context (GRCh38, chr11:760,219, plus strand): 5'-AGGCGGCTCATCGAGCTCTACAAGGAAGCTGGGATCAGCAAGGACCGAATTCTTATAAAG[C>T]TGTCATCAACCTGGGAAGGAATTCAGGCTGGAAAGTAAGTGGTCCCCCACAAGGAAGGAG-3'
Protein context (NP_006746.1, residues 133-153): GISKDRILIK[Leu143=]SSTWEGIQAG